The following is an entry in ClinVar:

ClinVar aggregate classification (germline): Likely benign. Review status: criteria provided, multiple submitters, no conflicts (2 of 4 stars). 2 submissions from 2 submitters: Likely benign (2). Last evaluated 2026-07-01.

gnomAD v4.1: 2 of 1,614,020 alleles (0.00012%); highest among the groups gnomAD compares: Non-Finnish European, 0.00017%; no homozygotes.

Submissions (2):

CeGaT Center for Human Genetics Tuebingen
Classification: Likely benign. Last evaluated: 2026-07-01. Review status: criteria provided, single submitter. Criteria: CeGaT Center For Human Genetics Tuebingen Variant Classification Criteria Version 2. Collection method: clinical testing. Allele origin: germline. Affected: yes. Observed: 1 variant allele.
Comment: ACTG1: BP4, BP7

Blueprint Genetics
Classification: Likely benign. Last evaluated: 2019-12-18. Review status: criteria provided, single submitter. Criteria: ACMG Guidelines, 2015. Collection method: clinical testing. Allele origin: germline.

NM_001614.5(ACTG1):c.195G>C (p.Leu65=)

Gene: ACTG1 (actin gamma 1; minus strand). Cytogenetic location: 17q25.3.
Variant type: single nucleotide variant.
Coding change: c.195G>C on transcript NM_001614.5 (MANE Select); coding-DNA position 195, G replaced by C.
Protein change: p.Leu65=; no amino-acid change (leucine 65 retained).
Molecular consequence: synonymous variant. On other transcripts: non-coding transcript variant (1).
Genome position (GRCh38, 1-based): chr17:81,512,071, C>G on the plus strand (G>C on the coding strand, the complement: ACTG1 is on the minus strand). VCF-style: chr17-81512071-C-G. GRCh37 (hg19) VCF-style: chr17-79479097-C-G.
Other names: c.195G>C, p.Leu65= (NM_001199954.3).
Identifiers: ClinVar variation 4937587 (VCV004937587.2).